The following is an entry in ClinVar:

NM_001278116.2(L1CAM):c.2138C>G (p.Ala713Gly)

Gene: L1CAM (L1 cell adhesion molecule; minus strand). Cytogenetic location: Xq28.
Variant type: single nucleotide variant.
Coding change: c.2138C>G on transcript NM_001278116.2 (MANE Select); coding-DNA position 2138, C replaced by G.
Protein change: p.Ala713Gly; replaces alanine 713 with glycine.
Molecular consequence: missense variant.
Genome position (GRCh38, 1-based): chrX:153,867,124, G>C on the plus strand (C>G on the coding strand, the complement: L1CAM is on the minus strand). VCF-style: chrX-153867124-G-C. GRCh37 (hg19) VCF-style: chrX-153132579-G-C.
Other names: c.2138C>G (NM_000425.4); c.2138C>G, p.Ala713Gly (NM_000425.5, NM_024003.3); c.2123C>G, p.Ala708Gly (NM_001143963.2); short protein forms A708G, A713G.
Identifiers: ClinVar variation 2682595 (VCV002682595.2), dbSNP rs2064720912, ClinGen allele CA415121332.

ClinVar aggregate classification (germline): Uncertain significance. Review status: criteria provided, multiple submitters, no conflicts (2 of 4 stars). 2 submissions from 2 submitters: Uncertain significance (2). Last evaluated 2025-09-15.

Conditions:
L1CAM-related disorder. Also called: L1CAM-related condition.

Submissions (2):

PreventionGenetics, part of Exact Sciences
Classification: Uncertain significance for L1CAM-related condition. Last evaluated: 2025-09-15. Review status: criteria provided, single submitter. Criteria: ACMG Guidelines, 2015. Collection method: clinical testing. Allele origin: germline.
Comment: The L1CAM c.2138C>G variant is predicted to result in the amino acid substitution p.Ala713Gly. To our knowledge, this variant has not been reported in the literature or in a large population database (gnomAD), indicating this variant is rare. At this time, the clinical significance of this variant is uncertain due to the absence of conclusive functional and genetic evidence.

Women's Health and Genetics/Laboratory Corporation of America, LabCorp
Classification: Uncertain significance. Last evaluated: 2023-11-17. Review status: criteria provided, single submitter. Criteria: LabCorp Variant Classification Summary - May 2015. Collection method: clinical testing. Allele origin: germline.
Comment: Variant summary: L1CAM c.2138C>G (p.Ala713Gly) results in a non-conservative amino acid change in the encoded protein sequence. Three of five in-silico tools predict a benign effect of the variant on protein function. Consensus agreement among computational tools predict no significant impact on normal splicing. However, these predictions have yet to be confirmed by functional studies. The variant was absent in 183504 control chromosomes (gnomAD). The available data on variant occurrences in the general population are insufficient to allow any conclusion about variant significance. To our knowledge, no occurrence of c.2138C>G in individuals affected with L1 Syndrome and no experimental evidence demonstrating its impact on protein function have been reported. No submitters have cited clinical-significance assessments for this variant to ClinVar after 2014. Based on the evidence outlined above, the variant was classified as uncertain significance.